The following is an entry in ClinVar:

ClinVar aggregate classification (germline): Uncertain significance (1 of 4 stars; one submission).

Submission:

CeGaT Center for Human Genetics Tuebingen
Classification: Uncertain significance. Last evaluated: 2025-07-01. Review status: criteria provided, single submitter. Criteria: CeGaT Center For Human Genetics Tuebingen Variant Classification Criteria Version 2. Collection method: clinical testing. Allele origin: germline. Affected: yes. Observed: 1 variant allele.
Comment: ATP1A1: PM2, PP2, PP3

NM_000701.8(ATP1A1):c.2107G>C (p.Glu703Gln)

Genes: ATP1A1 (ATPase Na+/K+ transporting subunit alpha 1; plus strand), ATP1A1-AS1 (ATP1A1 antisense RNA 1; minus strand). Cytogenetic location: 1p13.1.
Variant type: single nucleotide variant.
Coding change: c.2107G>C on transcript NM_000701.8 (MANE Select); coding-DNA position 2107, G replaced by C.
Protein change: p.Glu703Gln; replaces glutamic acid 703 with glutamine.
Molecular consequence: missense variant.
Genome position (GRCh38, 1-based): chr1:116,398,021, G>C. VCF-style: chr1-116398021-G-C. GRCh37 (hg19) VCF-style: chr1-116940643-G-C.
Other names: c.2107G>C, p.Glu703Gln (NM_001160233.2); c.2014G>C, p.Glu672Gln (NM_001160234.2); short protein forms E672Q, E703Q.
Identifiers: ClinVar variation 4085513 (VCV004085513.8).
Genomic context (GRCh38, chr1:116,398,021, plus strand): 5'-AAGTACCACACTGAGATAGTGTTTGCCAGGACCTCCCCTCAGCAGAAGCTCATCATTGTG[G>C]AAGGCTGCCAAAGACAGGTCAGCCAGCACAAGGATCAGGCTGCTTTGGGCACTATTGGCT-3'
Protein context (NP_000692.2, residues 693-713): TSPQQKLIIV[Glu703Gln]GCQRQGAIVA